The following is an entry in ClinVar:

NM_000350.3(ABCA4):c.982G>A (p.Glu328Lys)

Gene: ABCA4 (ATP binding cassette subfamily A member 4; minus strand). Cytogenetic location: 1p22.1.
Variant type: single nucleotide variant.
Coding change: c.982G>A on transcript NM_000350.3 (MANE Select); coding-DNA position 982, G replaced by A.
Protein change: p.Glu328Lys; replaces glutamic acid 328 with lysine.
Molecular consequence: missense variant.
Genome position (GRCh38, 1-based): chr1:94,080,595, C>T on the plus strand (G>A on the coding strand, the complement: ABCA4 is on the minus strand). VCF-style: chr1-94080595-C-T. GRCh37 (hg19) VCF-style: chr1-94546151-C-T.
Other names: c.982G>A, p.Glu328Lys (NM_001425324.1); short protein forms E328K.
Identifiers: ClinVar variation 1429209 (VCV001429209.8), dbSNP rs61751418, ClinGen allele CA958665.
Genomic context (GRCh38, chr1:94,080,595, plus strand): 5'-AGGCCTTATAGTTATTGTCTTCATACCAGTTGAAGGAGAGCACCCGAGAGCCACCTCCCT[C>T]GGGGTAGCCACACAGGAGGTCAGACAGGATGCCCATCAGCTTTGTAAAGGTCTCTGGACC-3'
Protein context (NP_000341.2, residues 318-338): ILSDLLCGYP[Glu328Lys]GGGSRVLSFN

ClinVar aggregate classification (germline): Conflicting classifications of pathogenicity. Review status: criteria provided, conflicting classifications (1 of 4 stars). 3 submissions from 3 submitters: Likely pathogenic (2); Uncertain significance (1). Last evaluated 2025-05-22.

Conditions:
Cone-rod dystrophy. Also called: Cone/cone-rod dystrophy; Cone-rod degeneration. Identifiers: Orphanet 1872, MedGen C4085590, MONDO:0015993, HP:0000548.

Allele frequency attached by ClinVar (database versions not stated): gnomAD 0.00001; TOPMed 0.00002; ExAC 0.00005; 1000 Genomes Project 30x 0.00016; 1000 Genomes Project 0.00020.
gnomAD v4.1: 28 of 1,614,136 alleles (0.0017%); highest among the groups gnomAD compares: Admixed American, 0.013%; no homozygotes.

Submissions (3):

Labcorp Genetics (formerly Invitae), Labcorp
Classification: Likely pathogenic. Last evaluated: 2025-05-22. Review status: criteria provided, single submitter. Criteria: Invitae Variant Classification Sherloc (09022015). Collection method: clinical testing. Allele origin: germline.
Comment: This sequence change replaces glutamic acid, which is acidic and polar, with lysine, which is basic and polar, at codon 328 of the ABCA4 protein (p.Glu328Lys). This variant is present in population databases (rs61751418, gnomAD 0.02%). This variant has not been reported in the literature in individuals affected with ABCA4-related conditions. ClinVar contains an entry for this variant (Variation ID: 1429209). Invitae Evidence Modeling of protein sequence and biophysical properties (such as structural, functional, and spatial information, amino acid conservation, physicochemical variation, residue mobility, and thermodynamic stability) indicates that this missense variant is expected to disrupt ABCA4 protein function with a positive predictive value of 95%. This variant disrupts the p.Glu328 amino acid residue in ABCA4. Other variant(s) that disrupt this residue have been determined to be pathogenic (PMID: 33301772). This suggests that this residue is clinically significant, and that variants that disrupt this residue are likely to be disease-causing. In summary, the currently available evidence indicates that the variant is pathogenic, but additional data are needed to prove that conclusively. Therefore, this variant has been classified as Likely Pathogenic.

Lab De Baere, Eye and Developmental Genetics Lab, Ghent University
Classification: Likely pathogenic for Cone-rod dystrophy. Last evaluated: 2024-10-01. Review status: criteria provided, single submitter. Criteria: ACMG Guidelines, 2015. Collection method: research. Allele origin: inherited. Affected: yes. Observed: 1 variant allele.
Comment: ACMG/AMP guidelines: PM2, PP3, PM5_PM, PP1, PM3_PP

Blueprint Genetics
Classification: Uncertain significance. Last evaluated: 2024-07-05. Review status: criteria provided, single submitter. Criteria: ACMG Guidelines, 2015. Collection method: clinical testing. Allele origin: germline.

Literature cited by the submitters: PubMed 33301772 (cited by Labcorp Genetics (formerly Invitae), Labcorp).